The following is an entry in ClinVar:

ClinVar aggregate classification (germline): Likely pathogenic (1 of 4 stars; one submission).

Submission:

CeGaT Center for Human Genetics Tuebingen
Classification: Likely pathogenic. Last evaluated: 2023-12-01. Review status: criteria provided, single submitter. Criteria: CeGaT Center For Human Genetics Tuebingen Variant Classification Criteria Version 2. Collection method: clinical testing. Allele origin: germline. Affected: yes. Observed: 1 variant allele.
Comment: CCM2: PVS1:Strong, PM2

NM_031443.4(CCM2):c.1087C>T (p.Gln363Ter)

Gene: CCM2 (CCM2 scaffold protein; plus strand). Cytogenetic location: 7p13.
Variant type: single nucleotide variant.
Coding change: c.1087C>T on transcript NM_031443.4 (MANE Select); coding-DNA position 1087, C replaced by T.
Protein change: p.Gln363Ter; replaces glutamine 363 with a stop codon.
Molecular consequence: nonsense. On other transcripts: non-coding transcript variant (1).
Genome position (GRCh38, 1-based): chr7:45,075,809, C>T. VCF-style: chr7-45075809-C-T. GRCh37 (hg19) VCF-style: chr7-45115408-C-T.
Other names: c.1036C>T, p.Gln346Ter (NM_001363459.2); c.1150C>T, p.Gln384Ter (NM_001029835.2); c.913C>T, p.Gln305Ter (NM_001167934.2); c.814C>T, p.Gln272Ter (NM_001167935.2); c.1210C>T, p.Gln404Ter (NM_001363458.2); short protein forms Q272*, Q305*, Q346*, Q363*, Q384*, Q404*.
Identifiers: ClinVar variation 3026685 (VCV003026685.22), dbSNP rs2486183218, ClinGen allele CA367431577.